The following is an entry in ClinVar:

NM_000133.4(F9):c.108C>T (p.Asn36=)

Gene: F9 (coagulation factor IX; plus strand). Cytogenetic location: Xq27.1.
Variant type: single nucleotide variant.
Coding change: c.108C>T on transcript NM_000133.4 (MANE Select); coding-DNA position 108, C replaced by T.
Protein change: p.Asn36=; no amino-acid change (asparagine 36 retained).
Molecular consequence: synonymous variant.
Genome position (GRCh38, 1-based): chrX:139,537,029, C>T. VCF-style: chrX-139537029-C-T. GRCh37 (hg19) VCF-style: chrX-138619188-C-T.
Other names: NM_000133.3(F9):c.108C>T; p.Asn36=; c.108C>T, p.Asn36= (NM_001313913.2).
Identifiers: ClinVar variation 367998 (VCV000367998.17), dbSNP rs184837275, ClinGen allele CA10529735.
Genomic context (GRCh38, chrX:139,537,029, plus strand): 5'-CTTTTTTGCTAAAACTAAAGAATTATTCTTTTACATTTCAGTTTTTCTTGATCATGAAAA[C>T]GCCAACAAAATTCTGAATCGGCCAAAGAGGTATAATTCAGGTAAATTGGAAGAGTTTGTT-3'
Protein context (NP_000124.1, residues 26-46): AECTVFLDHE[Asn36=]ANKILNRPKR

ClinVar aggregate classification (germline): Benign. Review status: reviewed by expert panel (3 of 4 stars). 3 submissions from 3 submitters: Benign (1). 2 of the submissions do not count toward it. Last evaluated 2024-02-09.

Conditions:
Hereditary factor IX deficiency disease (HEMB). Also called: Christmas Disease; F9 DEFICIENCY; FACTOR IX DEFICIENCY; PLASMA THROMBOPLASTIN COMPONENT DEFICIENCY; Hemophilia B. Identifiers: Orphanet 98879, MedGen C0008533, MeSH D002836, MONDO:0010604, OMIM 306900.
Thrombophilia, X-linked, due to factor 9 defect. Identifiers: MedGen C2749016, MONDO:0010432, OMIM 300807.

Allele frequency attached by ClinVar (database versions not stated): gnomAD 0.00004 and 0.00005; TOPMed 0.00005; gnomAD exomes 0.00007 and 0.00009; ExAC 0.00010; 1000 Genomes Project 30x 0.00021; 1000 Genomes Project 0.00026.
gnomAD v4.1: 82 of 1,205,386 alleles (0.0068%); highest among the groups gnomAD compares: Middle Eastern, 0.069%; no homozygotes.

Submissions (3):

ClinGen Coagulation Factor Deficiency Variant Curation Expert Panel, Clingen
Classification: Benign for Hereditary factor IX deficiency disease. Last evaluated: 2024-02-09. Review status: reviewed by expert panel. Criteria: ClinGen CoagFactor ACMG Specifications F9 V1.0.0. Collection method: curation. Allele origin: germline. Inheritance: X-linked inheritance.
Comment: The c.108C>T (p.Asn36=) variant is reported at an MAF of 0.0002820 (5/17730 alleles) in the South Asian population in gnomAD v2.1.1 with 1 hemizygote, meeting BA1 criteria of MAF > 0.0000556. SpliceAI predicts no splicing impact, with delta scores of 0, meeting BP4. The nucleotide is not conserved, with PhyloP score of -0.14 and PhastCons score of 0.031, meeting BP7. In summary, this variant meets criteria to be classified as benign. ACMG/AMP criteria applied, as specified by the Coagulation Factor Deficiency Variant Curation Expert Panel for F9: BA1, BP4, BP7.

Labcorp Genetics (formerly Invitae), Labcorp
Classification: Benign for Thrombophilia, X-linked, due to factor 9 defect; Hereditary factor IX deficiency disease. Last evaluated: 2026-01-24. Review status: criteria provided, single submitter. Criteria: Invitae Variant Classification Sherloc (09022015). Collection method: clinical testing. Allele origin: germline. Not counted in ClinVar's aggregate classification.

Illumina Laboratory Services, Illumina
Classification: Likely benign for Hereditary factor IX deficiency disease. Last evaluated: 2018-01-13. Review status: criteria provided, single submitter. Criteria: ICSL Variant Classification Criteria 13 December 2019. Collection method: clinical testing. Allele origin: germline. Not counted in ClinVar's aggregate classification.
Comment: This variant was observed in the ICSL laboratory as part of a predisposition screen in an ostensibly healthy population. It had not been previously curated by ICSL or reported in the Human Gene Mutation Database (HGMD: prior to June 1st, 2018), and was therefore a candidate for classification through an automated scoring system. Utilizing variant allele frequency, disease prevalence and penetrance estimates, and inheritance mode, an automated score was calculated to assess if this variant is too frequent to cause the disease. Based on the score and internal cut-off values, a variant classified as likely benign is not then subjected to further curation. The score for this variant resulted in a classification of likely benign for this disease.